The following is an entry in ClinVar:

NM_000135.4(FANCA):c.1839C>G (p.Ile613Met)

Gene: FANCA (FA complementation group A; minus strand). Cytogenetic location: 16q24.3.
Variant type: single nucleotide variant.
Coding change: c.1839C>G on transcript NM_000135.4 (MANE Select); coding-DNA position 1839, C replaced by G.
Protein change: p.Ile613Met; replaces isoleucine 613 with methionine.
Molecular consequence: missense variant.
Genome position (GRCh38, 1-based): chr16:89,775,803, G>C on the plus strand (C>G on the coding strand, the complement: FANCA is on the minus strand). VCF-style: chr16-89775803-G-C. GRCh37 (hg19) VCF-style: chr16-89842211-G-C.
Other names: c.1839C>G, p.Ile613Met (NM_001286167.3); short protein forms I613M.
Identifiers: ClinVar variation 4619313 (VCV004619313.1).

ClinVar aggregate classification (germline): Uncertain significance (1 of 4 stars; one submission).

Conditions:
Inborn genetic diseases. Identifiers: MedGen C0950123, MeSH D030342.

Submission:

Ambry Genetics
Classification: Uncertain significance for Inborn genetic diseases. Last evaluated: 2025-12-10. Review status: criteria provided, single submitter. Criteria: Ambry Variant Classification Scheme 2023. Collection method: clinical testing. Allele origin: germline.
Comment: The p.I613M variant (also known as c.1839C>G), located in coding exon 21 of the FANCA gene, results from a C to G substitution at nucleotide position 1839. The isoleucine at codon 613 is replaced by methionine, an amino acid with highly similar properties. This amino acid position is conserved. In addition, the in silico prediction for this alteration is inconclusive. Based on the available evidence, the clinical significance of this variant remains unclear.